The following is an entry in ClinVar:

NC_000005.9:g.(?_112043009)_(112111444_?)del

Gene: APC (APC regulator of Wnt signaling pathway; plus strand). Cytogenetic location: 5q22.2.
Variant type: Deletion.
Identifiers: ClinVar variation 2422175 (VCV002422175.4).

ClinVar aggregate classification (germline): Pathogenic (1 of 4 stars; one submission).

Conditions:
Familial adenomatous polyposis 1 (FAP1). Also called: FAMILIAL ADENOMATOUS POLYPOSIS 1, ATTENUATED; POLYPOSIS, ADENOMATOUS INTESTINAL. Identifiers: MedGen C2713442, MONDO:0021056, OMIM 175100. Disease mechanism: loss of function.

Submission:

Labcorp Genetics (formerly Invitae), Labcorp
Classification: Pathogenic for Familial adenomatous polyposis 1. Last evaluated: 2021-05-04. Review status: criteria provided, single submitter. Criteria: Invitae Variant Classification Sherloc (09022015). Collection method: clinical testing. Allele origin: germline.
Comment: For these reasons, this variant has been classified as Pathogenic. This variant has not been reported in the literature in individuals with APC-related conditions. This variant is a gross deletion of the genomic region encompassing exon(s) 1-5 of the APC gene, which includes the initiator codon. The 5' end of this event is unknown as it extends beyond the assayed region for this gene and therefore may encompass additional genes. The 3' boundary is likely confined to intron 5 of the APC gene. It is expected to result in an absent or disrupted protein product. Loss-of-function variants in APC are known to be pathogenic (PMID: 17963004, 20685668).

Literature cited by the submitters: PubMed 17963004; PubMed 20685668.